The following is an entry in ClinVar:

ClinVar aggregate classification (germline): Pathogenic (1 of 4 stars; one submission).

Conditions:
Curry-Hall syndrome (WAD). Also called: WEYERS ACRODENTAL DYSOSTOSIS. Identifiers: Orphanet 952, MedGen C0457013, MONDO:0008673, OMIM 193530.
Ellis-van Creveld syndrome (EVC). Also called: Chondroectodermal dysplasia; MESOECTODERMAL DYSPLASIA; EVC-Related Ellis-van Creveld Syndrome; EVC2-Related Ellis-van Creveld Syndrome. Identifiers: Orphanet 289, MedGen C0013903, MONDO:0009162, OMIM 225500.

Submission:

Labcorp Genetics (formerly Invitae), Labcorp
Classification: Pathogenic for Curry-Hall syndrome; Ellis-van Creveld syndrome. Last evaluated: 2023-09-14. Review status: criteria provided, single submitter. Criteria: Invitae Variant Classification Sherloc (09022015). Collection method: clinical testing. Allele origin: germline.
Comment: For these reasons, this variant has been classified as Pathogenic. This variant has not been reported in the literature in individuals affected with EVC2-related conditions. This variant is a gross deletion of the genomic region encompassing exon(s) 10 of the EVC2 gene. This deletion is out-of-frame, and is expected to create a premature termination codon and result in an absent or disrupted protein product. Loss-of-function variants in EVC2 are known to be pathogenic (PMID: 17024374, 19810119, 19876929).

Literature cited by the submitters: PubMed 17024374; PubMed 19810119; PubMed 19876929.

NC_000004.11:g.(?_5642221)_(5642585_?)del

Gene: EVC2 (EvC ciliary complex subunit 2; minus strand). Cytogenetic location: 4p16.2.
Variant type: Deletion.
Identifiers: ClinVar variation 1073309 (VCV001073309.4).